The following is an entry in ClinVar:

NM_000092.5(COL4A4):c.1029+72G>A

Gene: COL4A4 (collagen type IV alpha 4 chain; minus strand). Cytogenetic location: 2q36.3.
Variant type: single nucleotide variant.
Coding change: c.1029+72G>A on transcript NM_000092.5 (MANE Select); 72 bases into the intron after coding-DNA position 1029, G replaced by A.
Molecular consequence: intron variant.
Genome position (GRCh38, 1-based): chr2:227,101,432, C>T on the plus strand (G>A on the coding strand, the complement: COL4A4 is on the minus strand). VCF-style: chr2-227101432-C-T. GRCh37 (hg19) VCF-style: chr2-227966148-C-T.
Identifiers: ClinVar variation 1184737 (VCV001184737.7), dbSNP rs16823202, ClinGen allele CA66560608.
Genomic context (GRCh38, chr2:227,101,432, plus strand): 5'-TAAAAAATTAACTGTATCTCTTCTAAAAATTACATTCTTGAATGATTCCTGGCAATACTT[C>T]TAAAAATAAATTAGATAATATTAAGGATATAAACTTTTATCAGGATATATTAAAATAGGC-3'

ClinVar aggregate classification (germline): Benign. Review status: criteria provided, multiple submitters, no conflicts (2 of 4 stars). 4 submissions from 4 submitters: Benign (4). Last evaluated 2024-07-15.

Conditions:
Autosomal recessive Alport syndrome (ATS2). Also called: COL4A3-Related Nephropathy; COL4A4 Alport Syndrome and Thin Basement Membrane Nephropathy; ALPORT SYNDROME 2, AUTOSOMAL RECESSIVE; Alport syndrome type 2. Identifiers: Orphanet 63, Orphanet 88919, MedGen C4746745, MONDO:0008762, OMIM 203780.

Allele frequency attached by ClinVar (database versions not stated): 1000 Genomes Project 0.58367; gnomAD exomes 0.59179; 1000 Genomes Project 30x 0.59369; gnomAD 0.63418 and 0.64560; TOPMed 0.64157; ESP Exome Variant Server 0.65624.
gnomAD v4.1: 740,029 of 1,239,530 alleles (60%); highest among the groups gnomAD compares: African/African-American, 78%; 224,169 homozygotes.

Submissions (4):

Unidad de Genómica Garrahan, Hospital de Pediatría Garrahan
Classification: Benign. Last evaluated: 2024-07-15. Review status: criteria provided, single submitter. Criteria: ACMG Guidelines, 2015. Collection method: clinical testing. Allele origin: germline. Affected: no. Observed: 57 variant alleles.
Comment: This variant is classified as Benign based on local population frequency. This variant was detected in 61% of patients studied in a panel designed for Epileptic and Developmental Encephalopathy and Progressive Myoclonus Epilepsy. Number of patients: 57. Only high quality variants are reported.

Genome-Nilou Lab
Classification: Benign for Autosomal recessive Alport syndrome. Last evaluated: 2021-07-10. Review status: criteria provided, single submitter. Criteria: ACMG Guidelines, 2015. Collection method: clinical testing. Allele origin: germline. Affected: no.

GeneDx
Classification: Benign. Last evaluated: 2018-06-24. Review status: criteria provided, single submitter. Criteria: GeneDx Variant Classification Process June 2021. Collection method: clinical testing. Allele origin: germline. Affected: yes.

Breakthrough Genomics
Classification: Benign. Review status: criteria provided, single submitter. Criteria: ACMG Guidelines, 2015. Collection method: not provided. Allele origin: germline. Inheritance: Autosomal recessive inheritance. Affected: yes.